The following is an entry in ClinVar:

ClinVar aggregate classification (germline): Conflicting classifications of pathogenicity. Review status: criteria provided, conflicting classifications (1 of 4 stars). 9 submissions from 8 submitters: Uncertain significance (1); Benign (4); Likely benign (4). Last evaluated 2025-12-31.

Conditions:
Cardiovascular phenotype. Identifiers: MedGen CN230736.
Cardiomyopathy (CMYO). Also called: Cardiomyopathies. Identifiers: Orphanet 167848, MedGen C0878544, MONDO:0004994, HP:0001638. Inheritance: Various modes of inheritance.
Arrhythmogenic right ventricular dysplasia 2. Identifiers: MedGen C1832931.
Catecholaminergic polymorphic ventricular tachycardia (CVPT). Also called: Catecholamine-induced polymorphic ventricular tachycardia. Identifiers: Orphanet 3286, MedGen C5574922, MONDO:0017990.
Catecholaminergic polymorphic ventricular tachycardia 1. Also called: VENTRICULAR TACHYCARDIA, STRESS-INDUCED POLYMORPHIC 1; VENTRICULAR TACHYCARDIA, CATECHOLAMINERGIC POLYMORPHIC, 1, WITH OR WITHOUT ATRIAL DYSFUNCTION AND/OR DILATED CARDIOMYOPATHY; RYR2-Related Catecholaminergic Polymorphic Ventricular Tachycardia. Identifiers: Orphanet 3286, MedGen C1631597, MONDO:0011484, OMIM 604772.

Allele frequency attached by ClinVar (database versions not stated): gnomAD 0.00001 and 0.00005; TOPMed 0.00001; ExAC 0.00013; gnomAD exomes 0.00014; 1000 Genomes Project 0.00020; 1000 Genomes Project 30x 0.00031.
gnomAD v4.1: 116 of 1,613,950 alleles (0.0072%); highest among the groups gnomAD compares: South Asian, 0.12%; no homozygotes.

Submissions (9):

Labcorp Genetics (formerly Invitae), Labcorp
Classification: Benign for Catecholaminergic polymorphic ventricular tachycardia 1. Last evaluated: 2025-12-31. Review status: criteria provided, single submitter. Criteria: Invitae Variant Classification Sherloc (09022015). Collection method: clinical testing. Allele origin: germline.

CeGaT Center for Human Genetics Tuebingen
Classification: Likely benign. Last evaluated: 2024-04-01. Review status: criteria provided, single submitter. Criteria: CeGaT Center For Human Genetics Tuebingen Variant Classification Criteria Version 2. Collection method: clinical testing. Allele origin: germline. Affected: yes. Observed: 1 variant allele.
Comment: RYR2: BP4, BP7, BS1

All of Us Research Program, National Institutes of Health
Classification: Benign for Catecholaminergic polymorphic ventricular tachycardia. Last evaluated: 2024-01-11. Review status: criteria provided, single submitter. Criteria: ACMG Guidelines, 2015. Collection method: clinical testing. Allele origin: germline. Inheritance: Autosomal dominant inheritance. Observed: 3 variant alleles, 3 heterozygotes.
Comment: This study involves interpretation of variants in research participants for the purpose of population health screening. Participant phenotype was not available at the time of variant classification. Additional details can be found in publication PMID: 35346344, PMCID: PMC8962531

Blueprint Genetics
Classification: Likely benign. Last evaluated: 2023-11-16. Review status: criteria provided, single submitter. Criteria: ACMG Guidelines, 2015. Collection method: clinical testing. Allele origin: germline.

Ambry Genetics
Classification: Likely benign for Cardiovascular phenotype. Last evaluated: 2022-02-20. Review status: criteria provided, single submitter. Criteria: Ambry Variant Classification Scheme 2023. Collection method: clinical testing. Allele origin: germline.

Color Diagnostics, LLC DBA Color Health
Classification: Benign for Cardiomyopathy. Last evaluated: 2018-10-30. Review status: criteria provided, single submitter. Criteria: ACMG Guidelines, 2015. Collection method: clinical testing. Allele origin: germline.

Illumina Laboratory Services, Illumina
Classification: Uncertain significance for Catecholaminergic polymorphic ventricular tachycardia 1. Last evaluated: 2018-01-12. Review status: criteria provided, single submitter. Criteria: ICSL Variant Classification Criteria 13 December 2019. Collection method: clinical testing. Allele origin: germline.

Illumina Laboratory Services, Illumina
Classification: Likely benign for Catecholaminergic polymorphic ventricular tachycardia 1. Last evaluated: 2018-01-12. Review status: criteria provided, single submitter. Criteria: ICSL Variant Classification Criteria 13 December 2019. Collection method: clinical testing. Allele origin: germline.
Comment: This variant was observed in the ICSL laboratory as part of a predisposition screen in an ostensibly healthy population. It had not been previously curated by ICSL or reported in the Human Gene Mutation Database (HGMD: prior to June 1st, 2018), and was therefore a candidate for classification through an automated scoring system. Utilizing variant allele frequency, disease prevalence and penetrance estimates, and inheritance mode, an automated score was calculated to assess if this variant is too frequent to cause the disease. Based on the score and internal cut-off values, a variant classified as likely benign is not then subjected to further curation. The score for this variant resulted in a classification of likely benign for this disease.

GeneDx
Classification: Benign. Last evaluated: 2016-06-20. Review status: criteria provided, single submitter. Criteria: GeneDx Variant Classification (06012015). Collection method: clinical testing. Allele origin: germline. Affected: yes.
Comment: This variant is considered likely benign or benign based on one or more of the following criteria: it is a conservative change, it occurs at a poorly conserved position in the protein, it is predicted to be benign by multiple in silico algorithms, and/or has population frequency not consistent with disease.

NM_001035.3(RYR2):c.3729A>C (p.Thr1243=)

Gene: RYR2 (ryanodine receptor 2; plus strand). Cytogenetic location: 1q43.
Variant type: single nucleotide variant.
Coding change: c.3729A>C on transcript NM_001035.3 (MANE Select); coding-DNA position 3729, A replaced by C.
Protein change: p.Thr1243=; no amino-acid change (threonine 1243 retained).
Molecular consequence: synonymous variant.
Genome position (GRCh38, 1-based): chr1:237,589,923, A>C. VCF-style: chr1-237589923-A-C. GRCh37 (hg19) VCF-style: chr1-237753223-A-C.
Other names: c.3729A>C, p.Thr1243= (LRG_402t1).
Identifiers: ClinVar variation 378487 (VCV000378487.42), dbSNP rs536080941, ClinGen allele CA086436.